The following is an entry in ClinVar:

ClinVar aggregate classification (germline): Pathogenic/Likely pathogenic. Review status: criteria provided, multiple submitters, no conflicts (2 of 4 stars). 8 submissions from 8 submitters: Pathogenic (6); Likely pathogenic (1). 1 of the submissions does not count toward it. Last evaluated 2026-06-25.

Conditions:
Hb SS disease (SCD). Also called: Hemoglobin SS; Sickle cell anemia; Sickle cell disease; HbS disease; Hemoglobin S Disease; Sickling disorder due to hemoglobin S. Identifiers: Orphanet 232, Orphanet 275752, MedGen C0002895, MONDO:0011382, OMIM 603903.
Heinz body anemia. Also called: Heinz body hemolytic anemia. Identifiers: Orphanet 178330, MedGen C0700299, MONDO:0007705, OMIM 140700, HP:0005511.
Dominant beta-thalassemia. Also called: Beta-thalassemia, dominant inclusion body type. Identifiers: Orphanet 231226, Orphanet 848, MedGen C1858990, MONDO:0011381, OMIM 603902.
Beta-thalassemia HBB/LCRB. Identifiers: MedGen CN322236, MONDO:0013517, OMIM 613985.
Erythrocytosis, familial, 6. Also called: POLYCYTHEMIA, BETA-GLOBIN TYPE; ERYTHROCYTOSIS, BETA-GLOBIN TYPE. Identifiers: MedGen C4693822, MONDO:0054801, OMIM 617980.
METHEMOGLOBINEMIA, BETA TYPE. Also called: Methemoglobinemia, beta-globin type. Identifiers: MedGen C1840779, OMIM 617971.
Malaria, susceptibility to. Identifiers: Orphanet 673, MedGen C1970028, MONDO:0021024, OMIM 611162.
Hereditary persistence of fetal hemoglobin. Identifiers: MedGen C0019025, MONDO:0020989, OMIM 141749.
Beta thalassemia intermedia (BTHAL-ITMD). Identifiers: Orphanet 231222, MedGen C0472767, MONDO:0016487.
beta Thalassemia (BTHAL). Also called: Cooley's anemia; Erythroblastic anemia; Mediterranean anemia. Identifiers: Orphanet 848, MedGen C0005283, MONDO:0019402. Disease mechanism: loss of function.

Allele frequency attached by ClinVar (database versions not stated): TOPMed 0.00001; 1000 Genomes Project 0.00020; 1000 Genomes Project 30x 0.00016.

Submissions (8):

GeneDx
Classification: Pathogenic. Last evaluated: 2026-06-25. Review status: criteria provided, single submitter. Criteria: GeneDx Variant Classification Process June 2021. Collection method: clinical testing. Allele origin: germline.
Comment: Published functional studies demonstrate a damaging effect, as transfection of the gene with c.-137C>T in HeLa cells showed a reduction of beta globin gene transcriptional activity (Kulozik et al., 1991; Kircher et al., 2019); Also known as -87C>T; No data available from control populations to assess the frequency of this variant; This variant is associated with the following publications: (PMID: 11857746, 2018842, 20524821, 31395865, 27821015, 9163586, 21119755, 21423179, 1550780)

Labcorp Genetics (formerly Invitae), Labcorp
Classification: Pathogenic. Last evaluated: 2026-01-14. Review status: criteria provided, single submitter. Criteria: Invitae Variant Classification Sherloc (09022015). Collection method: clinical testing. Allele origin: germline.
Comment: This variant occurs in a non-coding region of the HBB gene. It does not change the encoded amino acid sequence of the HBB protein. This variant is not present in population databases (gnomAD no frequency). This variant has been observed in individual(s) with autosomal recessive beta-thalassemia (PMID: 2018842, 20524821, 27821015). In at least one individual the data is consistent with being in trans (on the opposite chromosome) from a pathogenic variant. This variant is also known as -87C>T. ClinVar contains an entry for this variant (Variation ID: 36287). Studies have shown that this variant alters HBB gene expression (PMID: 2018842). For these reasons, this variant has been classified as Pathogenic.

Natera, Inc.
Classification: Pathogenic for Beta thalassemia. Last evaluated: 2025-09-12. Review status: criteria provided, single submitter. Criteria: Natera Variant Classification Schema (03/2026). Collection method: clinical testing. Allele origin: germline.
Comment: The c.-137C>T variant in HBB is a 5' untranslated region (UTR) variant located upstream of the translation start codon. This variant is rare in the general population with a frequency below the threshold expected for the associated phenotype(s). This variant has been observed in one or more individuals affected with the associated recessive disease, as either homozygous or compound heterozygous with a second variant (PMID: 26016899, 20524821, 27821015, 2018842). Computational prediction algorithms indicate this variant is likely to affect gene or protein function. Given the available evidence, this variant is classified as Pathogenic.

ARUP Laboratories, Molecular Genetics and Genomics, ARUP Laboratories
Classification: Pathogenic. Last evaluated: 2025-07-14. Review status: criteria provided, single submitter. Criteria: ARUP Molecular Germline Variant Investigation Process 2024. Collection method: clinical testing. Allele origin: germline.
Comment: The HBB c.-137C>T variant (rs33941377, HbVarID: 759), also known as -87C>T, is reported in the literature in several individuals with beta thalassemia intermedia, both of whom carried an additional pathogenic variant (Kulozik 1991, Gallagher 2016, HbVar database). This variant is absent from the Genome Aggregation Database, indicating it is not a common polymorphism. This variant is located in HBB promoter in the CACCC box that promotes gene transcription, and functional assays indicate that this variant results in reduced transcriptional activity (Kulozik 1991). Based on available information, this variant is considered pathogenic. References: Link to HbVar: Gallagher PG et al. Mutation in a Highly Conserved COOH-Terminal Residue of Kruppel-Like Factor 1 Associated with Elevated Hb F in a Compound Heterozygous beta-Thalassemia Patient with a Nontransfusion-Dependent Thalassemia Phenotype. Hemoglobin. 2016 Sep;40(5):361-364. PMID: 27821015. Kulozik AE et al. Thalassemia intermedia: moderate reduction of beta globin gene transcriptional activity by a novel mutation of the proximal CACCC promoter element. Blood. 1991 May 1;77(9):2054-8. PMID: 2018842.

Fulgent Genetics
Classification: Likely pathogenic for Heinz body anemia; Hereditary persistence of fetal hemoglobin; Dominant beta-thalassemia; Hb SS disease; Malaria, susceptibility to; Beta-thalassemia HBB/LCRB; METHEMOGLOBINEMIA, BETA TYPE; Erythrocytosis, familial, 6. Last evaluated: 2024-06-04. Review status: criteria provided, single submitter. Criteria: ACMG Guidelines, 2015. Collection method: clinical testing. Allele origin: germline.

Women's Health and Genetics/Laboratory Corporation of America, LabCorp
Classification: Pathogenic for Beta thalassemia intermedia. Last evaluated: 2023-06-30. Review status: criteria provided, single submitter. Criteria: LabCorp Variant Classification Summary - May 2015. Collection method: clinical testing. Allele origin: germline.
Comment: Variant summary: HBB c.-137C>T is located in the untranscribed region upstream of the HBB gene region. The variant was absent in 31398 control chromosomes. Ithanet lists this variant in association with + phenotype with relative carrier frequencies as follow: Czech Republic 2%, Slovakia 2%, Germany 1%, United Kingdom 0.2%, Italy 0.1%, and India 0.04%. The variant was found in multiple patients with symptoms ranging from beta-thalassemia major to beta-thalassemia intermedia depending on the second variant in trans and/or presence of alteration in genes encoding a-chain. Functional studies have shown that this variant leads to reduced transcription rate and synthesis of HBB (Kulozik_1991). The following publications have been ascertained in the context of this evaluation (PMID: 2018842, 11857746, 21119755, 21423179, 20524821, 27821015, 1550780). Two submitters have cited clinical-significance assessments for this variant to ClinVar after 2014. All submitters classified the variant as pathogenic/likely pathogenic. Based on the evidence outlined above, the variant was classified as pathogenic.

Baylor Genetics
Classification: Pathogenic for Hb SS disease. Review status: criteria provided, single submitter. Criteria: ACMG Guidelines, 2015. Collection method: clinical testing. Allele origin: germline.

GeneReviews
No classification provided. Condition: beta Thalassemia. Review status: no classification provided. Collection method: literature only. Allele origin: germline. Not counted in ClinVar's aggregate classification.

Literature cited by the submitters: PubMed 2018842 (cited by 3 submitters); PubMed 20524821 (cited by 3 submitters); PubMed 27821015 (cited by 3 submitters); PubMed 26016899 (cited by Natera, Inc.); PubMed 1550780 (cited by Women's Health and Genetics/Laboratory Corporation of America, LabCorp); PubMed 11857746 (cited by Women's Health and Genetics/Laboratory Corporation of America, LabCorp); PubMed 21119755 (cited by Women's Health and Genetics/Laboratory Corporation of America, LabCorp); PubMed 21423179 (cited by Women's Health and Genetics/Laboratory Corporation of America, LabCorp); NCBI Bookshelf NBK1426 (cited by GeneReviews).

NM_000518.5(HBB):c.-137C>T

Genes: HBB (hemoglobin subunit beta; minus strand), LOC106099062 (HBB recombination region; plus strand), LOC107133510 (origin of replication at HBB; plus strand). Cytogenetic location: 11p15.4.
Variant type: single nucleotide variant.
Coding change: c.-137C>T on transcript NM_000518.5 (MANE Select); 137 bases upstream of the start codon, C replaced by T.
Genome position (GRCh38, 1-based): chr11:5,227,158, G>A on the plus strand (C>T on the coding strand, the complement: HBB is on the minus strand). VCF-style: chr11-5227158-G-A. GRCh37 (hg19) VCF-style: chr11-5248388-G-A.
Other names: -87C>T.
Identifiers: ClinVar variation 36287 (VCV000036287.33), dbSNP rs33941377, ClinGen allele CA213884.
Genomic context (GRCh38, chr11:5,227,158, plus strand): 5'-TTTATGCCCAGCCCTGGCTCCTGCCCTCCCTGCTCCTGGGAGTAGATTGGCCAACCCTAG[G>A]GTGTGGCTCCACAGGGTGAGGTCTAAGTGATGACAGCCGTACCTGTCCTTGGCTCTTCTG-3'